The following is an entry in ClinVar:

ClinVar aggregate classification (germline): Uncertain significance. Review status: criteria provided, multiple submitters, no conflicts (2 of 4 stars). 3 submissions from 3 submitters: Uncertain significance (3). Last evaluated 2025-11-20.

Conditions:
Hereditary pancreatitis (PCTT). Also called: Hereditary chronic pancreatitis; PRSS1-Related Hereditary Pancreatitis. Identifiers: Orphanet 676, MedGen C0238339, MONDO:0008185, OMIM 167800.

Allele frequency attached by ClinVar (database versions not stated): ExAC 0.00003; gnomAD exomes 0.00005 and 0.00011; TOPMed 0.00006; gnomAD 0.00007.
gnomAD v4.1: 166 of 1,614,104 alleles (0.01%); highest among the groups gnomAD compares: African/African-American, 0.031%; no homozygotes.

Submissions (3):

Ambry Genetics
Classification: Uncertain significance for Hereditary pancreatitis. Last evaluated: 2025-11-20. Review status: criteria provided, single submitter. Criteria: Ambry Variant Classification Scheme 2023. Collection method: clinical testing. Allele origin: germline.

Labcorp Genetics (formerly Invitae), Labcorp
Classification: Uncertain significance for Hereditary pancreatitis. Last evaluated: 2025-10-23. Review status: criteria provided, single submitter. Criteria: Invitae Variant Classification Sherloc (09022015). Collection method: clinical testing. Allele origin: germline.
Comment: This sequence change replaces arginine, which is basic and polar, with cysteine, which is neutral and slightly polar, at codon 162 of the CTRC protein (p.Arg162Cys). This variant is present in population databases (rs764908785, gnomAD 0.01%). This variant has not been reported in the literature in individuals affected with CTRC-related conditions. ClinVar contains an entry for this variant (Variation ID: 652420). Invitae Evidence Modeling of protein sequence and biophysical properties (such as structural, functional, and spatial information, amino acid conservation, physicochemical variation, residue mobility, and thermodynamic stability) has been performed for this missense variant. However, the output from this modeling did not meet the statistical confidence thresholds required to predict the impact of this variant on CTRC protein function. In summary, the available evidence is currently insufficient to determine the role of this variant in disease. Therefore, it has been classified as a Variant of Uncertain Significance.

Fulgent Genetics
Classification: Uncertain significance for Hereditary pancreatitis. Last evaluated: 2024-04-04. Review status: criteria provided, single submitter. Criteria: ACMG Guidelines, 2015. Collection method: clinical testing. Allele origin: germline.

NM_007272.3(CTRC):c.484C>T (p.Arg162Cys)

Gene: CTRC (chymotrypsin C; plus strand). Cytogenetic location: 1p36.21.
Variant type: single nucleotide variant.
Coding change: c.484C>T on transcript NM_007272.3 (MANE Select); coding-DNA position 484, C replaced by T.
Protein change: p.Arg162Cys; replaces arginine 162 with cysteine.
Molecular consequence: missense variant.
Genome position (GRCh38, 1-based): chr1:15,443,546, C>T. VCF-style: chr1-15443546-C-T. GRCh37 (hg19) VCF-style: chr1-15770041-C-T.
Other names: short protein forms R162C.
Identifiers: ClinVar variation 652420 (VCV000652420.14), dbSNP rs764908785, ClinGen allele CA613343.
Genomic context (GRCh38, chr1:15,443,546, plus strand): 5'-CTGCCAGAGAAGGACTCCCTGCTCCCCAAGGACTACCCCTGCTATGTCACCGGCTGGGGC[C>T]GCCTCTGGAGTGAGTATCGTCCCTGGCAAATCCTGAGAGCCTTCCTGAAGGAAGCAGGAC-3'
Protein context (NP_009203.2, residues 152-172): DYPCYVTGWG[Arg162Cys]LWTNGPIADK